The following is an entry in ClinVar:

ClinVar aggregate classification (germline): Uncertain significance (1 of 4 stars; one submission).

Conditions:
Hereditary cancer-predisposing syndrome. Also called: Neoplastic Syndromes, Hereditary; Tumor predisposition; Hereditary Cancer Syndrome; Hereditary neoplastic syndrome. Identifiers: Orphanet 140162, MedGen C0027672, MeSH D009386, MONDO:0015356.

Submission:

Ambry Genetics
Classification: Uncertain significance for Hereditary cancer-predisposing syndrome. Last evaluated: 2026-01-03. Review status: criteria provided, single submitter. Criteria: Ambry Variant Classification Scheme 2023. Collection method: clinical testing. Allele origin: germline.
Comment: The p.N263Y variant (also known as c.787A>T), located in coding exon 3 of the XRCC2 gene, results from an A to T substitution at nucleotide position 787. The asparagine at codon 263 is replaced by tyrosine, an amino acid with dissimilar properties. This amino acid position is conserved. In addition, this alteration is predicted to be tolerated by in silico analysis. Based on the available evidence, the clinical significance of this variant remains unclear.

NM_005431.2(XRCC2):c.787A>T (p.Asn263Tyr)

Gene: XRCC2 (X-ray repair cross complementing 2; minus strand). Cytogenetic location: 7q36.1.
Variant type: single nucleotide variant.
Coding change: c.787A>T on transcript NM_005431.2 (MANE Select); coding-DNA position 787, A replaced by T.
Protein change: p.Asn263Tyr; replaces asparagine 263 with tyrosine.
Molecular consequence: missense variant.
Genome position (GRCh38, 1-based): chr7:152,648,698, T>A on the plus strand (A>T on the coding strand, the complement: XRCC2 is on the minus strand). VCF-style: chr7-152648698-T-A. GRCh37 (hg19) VCF-style: chr7-152345783-T-A.
Other names: short protein forms N263Y.
Identifiers: ClinVar variation 4841421 (VCV004841421.1).
Genomic context (GRCh38, chr7:152,648,698, plus strand): 5'-TATATCAACAAAATTCAACCCCACTTTCTCCAATAATAAAAAAATGTTTTTTTAAACTGT[T>A]ACTTTTTAAACAACGTGAAACTAATGAAAATTGGTTGCTGCTTTGAGAATCATCTTGTTT-3'
Protein context (NP_005422.1, residues 253-273): FSLVSRCLKS[Asn263Tyr]SLKKHFFIIG